The following is an entry in ClinVar:

NM_020812.4(DOCK6):c.2140G>A (p.Val714Met)

Gene: DOCK6 (dedicator of cytokinesis 6; minus strand). Cytogenetic location: 19p13.2.
Variant type: single nucleotide variant.
Coding change: c.2140G>A on transcript NM_020812.4 (MANE Select); coding-DNA position 2140, G replaced by A.
Protein change: p.Val714Met; replaces valine 714 with methionine.
Molecular consequence: missense variant.
Genome position (GRCh38, 1-based): chr19:11,236,813, C>T on the plus strand (G>A on the coding strand, the complement: DOCK6 is on the minus strand). VCF-style: chr19-11236813-C-T. GRCh37 (hg19) VCF-style: chr19-11347489-C-T.
Other names: c.2140G>A (NM_020812.3); c.2140G>A, p.Val714Met (NM_001367830.1); short protein forms V714M.
Identifiers: ClinVar variation 2166284 (VCV002166284.30), dbSNP rs549146148, ClinGen allele CA9207725.

ClinVar aggregate classification (germline): Benign/Likely benign. Review status: criteria provided, multiple submitters, no conflicts (2 of 4 stars). 4 submissions from 4 submitters: Benign (1); Likely benign (2). 1 of the submissions does not count toward it. Last evaluated 2025-07-30.

Conditions:
DOCK6-related disorder. Also called: DOCK6-related condition.

Allele frequency attached by ClinVar (database versions not stated): TOPMed 0.00003; 1000 Genomes Project 30x 0.00047; 1000 Genomes Project 0.00060.
gnomAD v4.1: 524 of 1,554,026 alleles (0.034%); highest among the groups gnomAD compares: South Asian, 0.6%; 7 homozygotes.

Submissions (4):

Labcorp Genetics (formerly Invitae), Labcorp
Classification: Benign. Last evaluated: 2025-07-30. Review status: criteria provided, single submitter. Criteria: Invitae Variant Classification Sherloc (09022015). Collection method: clinical testing. Allele origin: germline.

Blueprint Genetics
Classification: Likely benign. Last evaluated: 2024-07-02. Review status: criteria provided, single submitter. Criteria: ACMG Guidelines, 2015. Collection method: clinical testing. Allele origin: germline.

CeGaT Center for Human Genetics Tuebingen
Classification: Likely benign. Last evaluated: 2023-04-01. Review status: criteria provided, single submitter. Criteria: CeGaT Center For Human Genetics Tuebingen Variant Classification Criteria Version 2. Collection method: clinical testing. Allele origin: germline. Affected: yes. Observed: 1 variant allele.
Comment: DOCK6: BP4, BS2

PreventionGenetics, part of Exact Sciences
Classification: Likely benign for DOCK6-related condition. Last evaluated: 2019-05-20. Review status: no assertion criteria provided. Collection method: clinical testing. Allele origin: germline. Not counted in ClinVar's aggregate classification.
Comment: This variant is classified as likely benign based on ACMG/AMP sequence variant interpretation guidelines (Richards et al. 2015 PMID: 25741868, with internal and published modifications).